The following is an entry in ClinVar:

NM_006440.5(TXNRD2):c.774+255C>A

Gene: TXNRD2 (thioredoxin reductase 2; minus strand). Cytogenetic location: 22q11.21.
Variant type: single nucleotide variant.
Coding change: c.774+255C>A on transcript NM_006440.5 (MANE Select); 255 bases into the intron after coding-DNA position 774, C replaced by A.
Molecular consequence: intron variant.
Genome position (GRCh38, 1-based): chr22:19,897,784, G>T on the plus strand (C>A on the coding strand, the complement: TXNRD2 is on the minus strand). VCF-style: chr22-19897784-G-T. GRCh37 (hg19) VCF-style: chr22-19885307-G-T.
Other names: c.771+255C>A (NM_001352300.2); c.486+255C>A (NM_001352302.2); c.684+255C>A (NM_001352301.2); c.774+255C>A (NM_001282512.3); c.678+255C>A (NM_001352303.2).
Identifiers: ClinVar variation 673281 (VCV000673281.1), dbSNP rs144567421, ClinGen allele CA14995911.

ClinVar aggregate classification (germline): Likely benign (1 of 4 stars; one submission).

Allele frequency attached by ClinVar (database versions not stated): 1000 Genomes Project 0.00479; 1000 Genomes Project 30x 0.00484; TOPMed 0.00587; gnomAD 0.00769 and 0.00797.

Submission:

GeneDx
Classification: Likely benign. Last evaluated: 2018-06-14. Review status: criteria provided, single submitter. Criteria: GeneDx Variant Classification (06012015). Collection method: clinical testing. Allele origin: germline. Affected: yes.
Comment: This variant is considered likely benign or benign based on one or more of the following criteria: it is a conservative change, it occurs at a poorly conserved position in the protein, it is predicted to be benign by multiple in silico algorithms, and/or has population frequency not consistent with disease.